The following is an entry in ClinVar:

NM_003001.5(SDHC):c.14T>C (p.Leu5Ser)

Gene: SDHC (succinate dehydrogenase complex subunit C; plus strand). Cytogenetic location: 1q23.3.
Variant type: single nucleotide variant.
Coding change: c.14T>C on transcript NM_003001.5 (MANE Select); coding-DNA position 14, T replaced by C.
Protein change: p.Leu5Ser; replaces leucine 5 with serine.
Molecular consequence: missense variant.
Genome position (GRCh38, 1-based): chr1:161,314,419, T>C. VCF-style: chr1-161314419-T-C. GRCh37 (hg19) VCF-style: chr1-161284209-T-C.
Other names: c.14T>C, p.Leu5Ser (NM_001035511.3, NM_001035512.3, NM_001035513.3 and 6 more transcripts); c.-547T>C (NM_001407119.1); c.-216T>C (NM_001407120.1); short protein forms L5S.
Identifiers: ClinVar variation 577464 (VCV000577464.18), dbSNP rs1277411736, ClinGen allele CA343354988.

ClinVar aggregate classification (germline): Uncertain significance. Review status: criteria provided, multiple submitters, no conflicts (2 of 4 stars). 4 submissions from 4 submitters: Uncertain significance (4). Last evaluated 2025-10-23.

Conditions:
Gastrointestinal stromal tumor. Also called: Gastrointestinal stromal tumor, somatic; Gastrointestinal stroma tumor. Identifiers: Orphanet 44890, MedGen C0238198, MeSH D046152, MONDO:0011719, OMIM 606764, HP:0100723.
Pheochromocytoma/paraganglioma syndrome 3. Also called: SDHC-Related Hereditary Paraganglioma-Pheochromocytoma Syndrome (Paragangliomas 3); SDHC-Related Hereditary Paraganglioma-Pheochromocytoma Syndrome; Paragangliomas 3; GLOMUS TUMORS, FAMILIAL, 3. Identifiers: Orphanet 29072, MedGen C1854336, MONDO:0011544, OMIM 605373.
Hereditary cancer-predisposing syndrome. Also called: Hereditary Cancer Syndrome; Tumor predisposition; Neoplastic Syndromes, Hereditary; Hereditary neoplastic syndrome. Identifiers: Orphanet 140162, MedGen C0027672, MeSH D009386, MONDO:0015356.
Hereditary pheochromocytoma and paraganglioma. Also called: Hereditary paragangliomas and pheochromocytomas; Hereditary Paraganglioma-Pheochromocytoma Syndromes; Hereditary pheochromocytoma-paraganglioma. Identifiers: Orphanet 29072, MedGen C4274332, MONDO:0017366.

Allele frequency attached by ClinVar (database versions not stated): gnomAD exomes 0.00001.
gnomAD v4.1: 16 of 1,612,258 alleles (0.00099%); highest among the groups gnomAD compares: African/African-American, 0.0014%; no homozygotes.

Submissions (4):

Ambry Genetics
Classification: Uncertain significance for Hereditary cancer-predisposing syndrome. Last evaluated: 2025-10-23. Review status: criteria provided, single submitter. Criteria: Ambry Variant Classification Scheme 2023. Collection method: clinical testing. Allele origin: germline.
Comment: The p.L5S variant (also known as c.14T>C), located in coding exon 1 of the SDHC gene, results from a T to C substitution at nucleotide position 14. The leucine at codon 5 is replaced by serine, an amino acid with dissimilar properties. This amino acid position is well conserved in available vertebrate species. In addition, this alteration is predicted to be deleterious by in silico analysis. Since supporting evidence is limited at this time, the clinical significance of this alteration remains unclear.

Labcorp Genetics (formerly Invitae), Labcorp
Classification: Uncertain significance for Pheochromocytoma/paraganglioma syndrome 3; Gastrointestinal stromal tumor. Last evaluated: 2025-08-17. Review status: criteria provided, single submitter. Criteria: Invitae Variant Classification Sherloc (09022015). Collection method: clinical testing. Allele origin: germline.
Comment: This sequence change replaces leucine, which is neutral and non-polar, with serine, which is neutral and polar, at codon 5 of the SDHC protein (p.Leu5Ser). This variant is present in population databases (no rsID available, gnomAD 0.003%). This variant has not been reported in the literature in individuals affected with SDHC-related conditions. ClinVar contains an entry for this variant (Variation ID: 577464). An algorithm developed to predict the effect of missense changes on protein structure and function (PolyPhen-2) suggests that this variant is likely to be tolerated. In summary, the available evidence is currently insufficient to determine the role of this variant in disease. Therefore, it has been classified as a Variant of Uncertain Significance.

All of Us Research Program, National Institutes of Health
Classification: Uncertain significance for Hereditary pheochromocytoma and paraganglioma. Last evaluated: 2023-11-28. Review status: criteria provided, single submitter. Criteria: ACMG Guidelines, 2015. Collection method: clinical testing. Allele origin: germline. Inheritance: Autosomal dominant inheritance. Observed: 2 variant alleles, 2 heterozygotes.
Comment: This study involves interpretation of variants in research participants for the purpose of population health screening. Participant phenotype was not available at the time of variant classification. Additional details can be found in publication PMID: 35346344, PMCID: PMC8962531

GeneDx
Classification: Uncertain significance. Last evaluated: 2023-02-17. Review status: criteria provided, single submitter. Criteria: GeneDx Variant Classification Process June 2021. Collection method: clinical testing. Allele origin: germline. Affected: yes.
Comment: Not observed at significant frequency in large population cohorts (gnomAD); In silico analysis supports that this missense variant has a deleterious effect on protein structure/function; Has not been previously published as pathogenic or benign to our knowledge